The following is an entry in ClinVar:

NM_001267550.2(TTN):c.91097_91100del (p.Arg30366fs)

Genes: TTN-AS1 (TTN antisense RNA 1; plus strand), TTN (titin; minus strand). Cytogenetic location: 2q31.2.
Variant type: Microsatellite.
Coding change: c.91097_91100del on transcript NM_001267550.2 (MANE Select); coding-DNA positions 91097 to 91100, 4 bases deleted (GAAA; older notation c.91097_91100delGAAA).
Protein change: p.Arg30366fs; shifts the reading frame from arginine 30366.
Molecular consequence: frameshift variant.
Genome position (GRCh38, 1-based): chr2:178,551,800-178,551,803, TTTC deleted on the plus strand (GAAA on the coding strand, the reverse complement: TTN is on the minus strand); deleting any 4 consecutive bases within chr2:178,551,800-178,551,814 gives the same sequence; the c. name uses the placement nearest the transcript's 3' end. VCF-style (leftmost placement, unchanged base first): chr2-178551799-ATTTC-A. GRCh37 (hg19) VCF-style: chr2-179416526-ATTTC-A.
Other names: c.91097_91100del (NM_001267550.1); c.86174_86177del, p.Arg28725fs (NM_001256850.1); c.63902_63905del, p.Arg21301fs (NM_003319.4); c.83393_83396del, p.Arg27798fs (NM_133378.4); c.64277_64280del, p.Arg21426fs (NM_133432.3); c.64478_64481del, p.Arg21493fs (NM_133437.4); c.63902_63905delGAAA (NM_003319.4); short protein forms R21426fs, R21301fs, R27798fs, R30366fs, R21493fs, R28725fs.
Identifiers: ClinVar variation 943903 (VCV000943903.15), dbSNP rs769422187, ClinGen allele CA1987690.

ClinVar aggregate classification (germline): Pathogenic/Likely pathogenic. Review status: criteria provided, multiple submitters, no conflicts (2 of 4 stars). 4 submissions from 4 submitters: Pathogenic (1); Likely pathogenic (3). Last evaluated 2025-11-27.

Conditions:
Dilated cardiomyopathy 1G (CMD1G). Identifiers: Orphanet 154, MedGen C1858763, MONDO:0011400, OMIM 604145.
Autosomal recessive limb-girdle muscular dystrophy type 2J (LGMDR10). Also called: MUSCULAR DYSTROPHY, LIMB-GIRDLE, AUTOSOMAL RECESSIVE 10; Limb-girdle muscular dystrophy, type 2J. Identifiers: Orphanet 140922, MedGen C1837342, MONDO:0012127, OMIM 608807.
Primary dilated cardiomyopathy (DCM). Also called: Dilated Cardiomyopathy. Identifiers: Orphanet 217604, MedGen C0007193, MeSH D002311, MONDO:0005021, HP:0001644. Inheritance: Various modes of inheritance.
Cardiovascular phenotype. Identifiers: MedGen CN230736.

Submissions (4):

Labcorp Genetics (formerly Invitae), Labcorp
Classification: Likely pathogenic for Dilated cardiomyopathy 1G; Autosomal recessive limb-girdle muscular dystrophy type 2J. Last evaluated: 2025-11-27. Review status: criteria provided, single submitter. Criteria: Invitae Variant Classification Sherloc (09022015). Collection method: clinical testing. Allele origin: germline.
Comment: This sequence change creates a premature translational stop signal (p.Arg30366Ilefs*24) in the TTN gene. While this is not anticipated to result in nonsense mediated decay, it is expected to create a truncated TTN protein. The frequency data for this variant in the population databases is considered unreliable, as metrics indicate poor data quality at this position in the gnomAD database. This premature translational stop signal has been observed in individual(s) with dilated cardiomyopathy (PMID: 34137518, 35653365). ClinVar contains an entry for this variant (Variation ID: 943903). This variant is located in the A band of TTN (PMID: 25589632). Truncating variants in this region are significantly overrepresented in patients affected with dilated cardiomyopathy (PMID: 25589632). Truncating variants in this region have also been reported in individuals affected with autosomal recessive centronuclear myopathy (PMID: 23975875). In summary, the currently available evidence indicates that the variant is pathogenic, but additional data are needed to prove that conclusively. Therefore, this variant has been classified as Likely Pathogenic.

Ambry Genetics
Classification: Pathogenic for Cardiovascular phenotype. Last evaluated: 2025-08-07. Review status: criteria provided, single submitter. Criteria: Ambry Variant Classification Scheme 2023. Collection method: clinical testing. Allele origin: germline.
Comment: The c.63902_63905delGAAA pathogenic mutation, located in coding exon 162 of the TTN gene, results from a deletion of 4 nucleotides at nucleotide positions 63902 to 63905, causing a translational frameshift with a predicted alternate stop codon (p.R21301Ifs*24). This exon is located in the A-band region of the N2-B isoform of the titin protein and is constitutively expressed in TTN transcripts (percent spliced in or PSI 100%). This variant (also referred to as NM_001267550.1:c.91097_91100delGAAA, p.Arg30366fs) was reported in individual(s) with features consistent with dilated cardiomyopathy (Al-Shafai KN et al. Mol Genet Genomic Med, 2021 Jul;9:e1709; Ambry internal data). This variant is considered to be rare based on population cohorts in the Genome Aggregation Database (gnomAD). This variant is expected to result in loss of function by premature protein truncation or nonsense-mediated mRNA decay. While truncating variants in TTN are present in 1-3% of the general population, truncating variants in the A-band are the most common cause of dilated cardiomyopathy (Herman DS et al. N. Engl. J. Med., 2012 Feb;366:619-28; Roberts AM et al. Sci Transl Med, 2015 Jan;7:270ra6). TTN truncating variants encoded in constitutive exons (PSI >90%) have been found to be significantly associated with DCM regardless of their position in titin (Schafer S et al. Nat. Genet., 2017 01;49:46-53; Akhtar MM et al. Circ Heart Fail, 2020 Oct;13:e006832; Massier M et al. Clin Genet, 2025 Jan). Based on the supporting evidence, this variant is interpreted as a disease-causing mutation.

GeneDx
Classification: Likely pathogenic. Last evaluated: 2024-07-22. Review status: criteria provided, single submitter. Criteria: GeneDx Variant Classification Process June 2021. Collection method: clinical testing. Allele origin: germline. Affected: yes.
Comment: Identified in patients with DCM in published literature (PMID: 34137518, 35653365); Frameshift variant predicted to result in protein truncation or nonsense mediated decay in a gene for which loss of function is a known mechanism of disease; Located in the A-band region of TTN in which the majority of loss of function variants have been associated with autosomal dominant titinopathies (PMID: 22335739); Not observed at significant frequency in large population cohorts (gnomAD); This variant is associated with the following publications: (PMID: 34137518, 27694994, 22335739, 35653365)

Genetics and Genomics Program, Sidra Medicine
Classification: Likely pathogenic for Primary dilated cardiomyopathy. Review status: criteria provided, single submitter. Criteria: ACMG Guidelines, 2015. Collection method: research. Allele origin: unknown. Affected: yes. Observed: 1 variant allele.

Literature cited by the submitters: PubMed 34137518 (cited by Labcorp Genetics (formerly Invitae), Labcorp and Ambry Genetics); PubMed 35653365 (cited by Labcorp Genetics (formerly Invitae), Labcorp); PubMed 25589632 (cited by Labcorp Genetics (formerly Invitae), Labcorp); PubMed 23975875 (cited by Labcorp Genetics (formerly Invitae), Labcorp).